The following is an entry in ClinVar:

NM_003482.4(KMT2D):c.7318G>A (p.Val2440Ile)

Gene: KMT2D (lysine methyltransferase 2D; minus strand). Cytogenetic location: 12q13.12.
Variant type: single nucleotide variant.
Coding change: c.7318G>A on transcript NM_003482.4 (MANE Select); coding-DNA position 7318, G replaced by A.
Protein change: p.Val2440Ile; replaces valine 2440 with isoleucine.
Molecular consequence: missense variant.
Genome position (GRCh38, 1-based): chr12:49,040,452, C>T on the plus strand (G>A on the coding strand, the complement: KMT2D is on the minus strand). VCF-style: chr12-49040452-C-T. GRCh37 (hg19) VCF-style: chr12-49434235-C-T.
Other names: short protein forms V2440I.
Identifiers: ClinVar variation 1931554 (VCV001931554.5), dbSNP rs375114492, ClinGen allele CA236648072.

ClinVar aggregate classification (germline): Uncertain significance (1 of 4 stars; one submission).

Conditions:
Kabuki syndrome. Also called: NIIKAWA-KUROKI SYNDROME; Kabuki make-up syndrome. Identifiers: Orphanet 2322, MedGen C0796004, MONDO:0016512.

Allele frequency attached by ClinVar (database versions not stated): gnomAD exomes 0.00001; gnomAD 0.00002; TOPMed 0.00003; ESP Exome Variant Server 0.00008.
gnomAD v4.1: 15 of 1,561,734 alleles (0.00096%); highest among the groups gnomAD compares: African/African-American, 0.0055%; no homozygotes.

Submission:

Labcorp Genetics (formerly Invitae), Labcorp
Classification: Uncertain significance for Kabuki syndrome. Last evaluated: 2022-09-06. Review status: criteria provided, single submitter. Criteria: Invitae Variant Classification Sherloc (09022015). Collection method: clinical testing. Allele origin: germline.
Comment: In summary, the available evidence is currently insufficient to determine the role of this variant in disease. Therefore, it has been classified as a Variant of Uncertain Significance. Advanced modeling of protein sequence and biophysical properties (such as structural, functional, and spatial information, amino acid conservation, physicochemical variation, residue mobility, and thermodynamic stability) performed at Invitae indicates that this missense variant is not expected to disrupt KMT2D protein function. This missense change has been observed in individual(s) with clinical features of Kabuki syndrome (PMID: 30459467). This variant is not present in population databases (gnomAD no frequency). This sequence change replaces valine, which is neutral and non-polar, with isoleucine, which is neutral and non-polar, at codon 2440 of the KMT2D protein (p.Val2440Ile).

Literature cited by the submitters: PubMed 30459467.